The following is an entry in ClinVar:

NM_000368.5(TSC1):c.2094_2095del (p.His699fs)

Gene: TSC1 (TSC complex subunit 1; minus strand). Cytogenetic location: 9q34.13.
Variant type: Deletion.
Coding change: c.2094_2095del on transcript NM_000368.5 (MANE Select); coding-DNA positions 2094 to 2095, 2 bases deleted (GC; older notation c.2094_2095delGC).
Protein change: p.His699fs; shifts the reading frame from histidine 699.
Molecular consequence: frameshift variant. On other transcripts: non-coding transcript variant (4).
Genome position (GRCh38, 1-based): chr9:132,903,764-132,903,765, GC deleted on the plus strand (GC on the coding strand, the reverse complement: TSC1 is on the minus strand). VCF-style (leftmost placement, unchanged base first): chr9-132903763-TGC-T. GRCh37 (hg19) VCF-style: chr9-135779150-TGC-T.
Other names: c.2091_2092del, p.His698fs (NM_001162426.2, NM_001406597.1, NM_001406598.1 and 4 more transcripts); c.1941_1942del, p.His648fs (NM_001162427.2, NM_001406610.1); c.1731_1732del, p.His578fs (NM_001362177.2, NM_001406614.1, NM_001406615.1 and 5 more transcripts); c.2094_2095del, p.His699fs (NM_001406592.1, NM_001406593.1, NM_001406594.1 and 5 more transcripts); c.2079_2080del, p.His694fs (NM_001406601.1, NM_001406602.1); c.2076_2077del, p.His693fs (NM_001406603.1, NM_001406604.1); c.1938_1939del, p.His647fs (NM_001406611.1, NM_001406612.1, NM_001406613.1); c.1728_1729del, p.His577fs (NM_001406620.1, NM_001406621.1, NM_001406622.1 and 2 more transcripts); and 3 more; short protein forms H348fs, H381fs, H382fs, H577fs, H578fs, H647fs, H648fs, H693fs.
Identifiers: ClinVar variation 5038021 (VCV005038021.1).

ClinVar aggregate classification (germline): Likely pathogenic (1 of 4 stars; one submission).

Conditions:
Tuberous sclerosis 1 (TSC1). Identifiers: Orphanet 805, MedGen C1854465, MONDO:0008612, OMIM 191100.

Submission:

Clinical Genetics Laboratory, Skane University Hospital Lund
Classification: Likely pathogenic for Tuberous sclerosis 1. Last evaluated: 2026-10-29. Review status: criteria provided, single submitter. Criteria: ACMG Guidelines, 2015. Collection method: clinical testing. Allele origin: germline. Affected: yes.
Comment: TSC1 (NM_000368.5) c.2094_2095del, p.(His699Glnfs*6) represents a 2-base pair deletion in exon 17 of 23, resulting in a frameshift and a premature stop codon, leading to a truncated protein or loss of protein expression from the affected allele. The TSC1 c.2094_2095del variant has not been identified in the general population and has not previously been reported in ClinVar. The variant has been classified as likely pathogenic based on the following ACMG criteria: PVS1 and PM2.